The following is an entry in ClinVar:

ClinVar aggregate classification (germline): Benign/Likely benign. Review status: criteria provided, multiple submitters, no conflicts (2 of 4 stars). 5 submissions from 5 submitters: Benign (1); Likely benign (3). 1 of the submissions does not count toward it. Last evaluated 2025-12-09.

Conditions:
Oto-palato-digital syndrome, type II (OPD2). Also called: Otopalatodigital Syndrome, Type II; Otopalatodigital Syndrome Type 2 (FLNA-OPD2); FACIOPALATOOSSEOUS SYNDROME; OPD II SYNDROME. Identifiers: Orphanet 669, Orphanet 90652, MedGen C1844696, MONDO:0010571, OMIM 304120.
Heterotopia, periventricular, X-linked dominant (PVNH1). Also called: X-linked periventricular heterotopia; PERIVENTRICULAR NODULAR HETEROTOPIA 4; HETEROTOPIA, PERIVENTRICULAR, 1; PERIVENTRICULAR NODULAR HETEROTOPIA 1. Identifiers: Orphanet 2149, Orphanet 82004, MedGen C1848213, MONDO:0010233, OMIM 300049.
Frontometaphyseal dysplasia (FMD1). Identifiers: Orphanet 1826, MedGen C0265293, MONDO:0015942.
Melnick-Needles syndrome (MNS). Also called: Melnick-Needles Syndrome (FLNA-MNS); MELNICK-NEEDLES OSTEODYSPLASTY; OSTEODYSPLASTY OF MELNICK AND NEEDLES. Identifiers: Orphanet 2484, MedGen C0025237, MONDO:0010650, OMIM 309350.
FLNA-related disorder.

Allele frequency attached by ClinVar (database versions not stated): ExAC 0.00001; gnomAD exomes 0.00002 and 0.00006; TOPMed 0.00002; gnomAD 0.00003.
gnomAD v4.1: 61 of 1,208,070 alleles (0.005%); highest among the groups gnomAD compares: Non-Finnish European, 0.0065%; 1 homozygote.

Submissions (5):

Labcorp Genetics (formerly Invitae), Labcorp
Classification: Benign for Oto-palato-digital syndrome, type II; Heterotopia, periventricular, X-linked dominant; Frontometaphyseal dysplasia; Melnick-Needles syndrome. Last evaluated: 2025-12-09. Review status: criteria provided, single submitter. Criteria: Invitae Variant Classification Sherloc (09022015). Collection method: clinical testing. Allele origin: germline.

Blueprint Genetics
Classification: Likely benign. Last evaluated: 2024-06-18. Review status: criteria provided, single submitter. Criteria: ACMG Guidelines, 2015. Collection method: clinical testing. Allele origin: germline.

Women's Health and Genetics/Laboratory Corporation of America, LabCorp
Classification: Likely benign. Last evaluated: 2024-05-20. Review status: criteria provided, single submitter. Criteria: LabCorp Variant Classification Summary - May 2015. Collection method: clinical testing. Allele origin: germline.

GeneDx
Classification: Likely benign. Last evaluated: 2021-03-30. Review status: criteria provided, single submitter. Criteria: GeneDx Variant Classification Process June 2021. Collection method: clinical testing. Allele origin: germline. Affected: yes.

PreventionGenetics, part of Exact Sciences
Classification: Likely benign for FLNA-related condition. Last evaluated: 2024-04-25. Review status: no assertion criteria provided. Collection method: clinical testing. Allele origin: germline. Not counted in ClinVar's aggregate classification.
Comment: This variant is classified as likely benign based on ACMG/AMP sequence variant interpretation guidelines (Richards et al. 2015 PMID: 25741868, with internal and published modifications).

NM_001110556.2(FLNA):c.1386C>T (p.Gly462=)

Gene: FLNA (filamin A; minus strand). Cytogenetic location: Xq28.
Variant type: single nucleotide variant.
Coding change: c.1386C>T on transcript NM_001110556.2 (MANE Select); coding-DNA position 1386, C replaced by T.
Protein change: p.Gly462=; no amino-acid change (glycine 462 retained).
Molecular consequence: synonymous variant.
Genome position (GRCh38, 1-based): chrX:154,366,067, G>A on the plus strand (C>T on the coding strand, the complement: FLNA is on the minus strand). VCF-style: chrX-154366067-G-A. GRCh37 (hg19) VCF-style: chrX-153594435-G-A.
Other names: c.1386C>T, p.Gly462= (NM_001456.4); c.1386C>T (NM_001110556.1).
Identifiers: ClinVar variation 961545 (VCV000961545.12), dbSNP rs781977506, ClinGen allele CA10561194.